The following is an entry in ClinVar:

ClinVar aggregate classification (germline): Uncertain significance (1 of 4 stars; one submission).

Conditions:
Neuroblastoma, susceptibility to, 3. Also called: ALK-Related Neuroblastic Tumor Susceptibility. Identifiers: Orphanet 635, MedGen C2751681, MONDO:0013083, OMIM 613014.

Submission:

Labcorp Genetics (formerly Invitae), Labcorp
Classification: Uncertain significance for Neuroblastoma, susceptibility to, 3. Last evaluated: 2024-12-07. Review status: criteria provided, single submitter. Criteria: Invitae Variant Classification Sherloc (09022015). Collection method: clinical testing. Allele origin: germline.
Comment: This sequence change replaces glutamine, which is neutral and polar, with histidine, which is basic and polar, at codon 1364 of the ALK protein (p.Gln1364His). This variant is not present in population databases (gnomAD no frequency). This variant has not been reported in the literature in individuals affected with ALK-related conditions. ClinVar contains an entry for this variant (Variation ID: 2739327). An algorithm developed to predict the effect of missense changes on protein structure and function (PolyPhen-2) suggests that this variant is likely to be disruptive. In summary, the available evidence is currently insufficient to determine the role of this variant in disease. Therefore, it has been classified as a Variant of Uncertain Significance.

NM_004304.5(ALK):c.4092G>C (p.Gln1364His)

Gene: ALK (ALK receptor tyrosine kinase; minus strand). Cytogenetic location: 2p23.2.
Variant type: single nucleotide variant.
Coding change: c.4092G>C on transcript NM_004304.5 (MANE Select); coding-DNA position 4092, G replaced by C.
Protein change: p.Gln1364His; replaces glutamine 1364 with histidine.
Molecular consequence: missense variant.
Genome position (GRCh38, 1-based): chr2:29,196,842, C>G on the plus strand (G>C on the coding strand, the complement: ALK is on the minus strand). VCF-style: chr2-29196842-C-G. GRCh37 (hg19) VCF-style: chr2-29419708-C-G.
Other names: c.888G>C, p.Gln296His (NM_001353765.2); short protein forms Q296H, Q1364H.
Identifiers: ClinVar variation 2739327 (VCV002739327.3), dbSNP rs2148141945, ClinGen allele CA346465417.